The following is an entry in ClinVar:

NM_003482.4(KMT2D):c.13816T>C (p.Tyr4606His)

Gene: KMT2D (lysine methyltransferase 2D; minus strand). Cytogenetic location: 12q13.12.
Variant type: single nucleotide variant.
Coding change: c.13816T>C on transcript NM_003482.4 (MANE Select); coding-DNA position 13816, T replaced by C.
Protein change: p.Tyr4606His; replaces tyrosine 4606 with histidine.
Molecular consequence: missense variant.
Genome position (GRCh38, 1-based): chr12:49,030,624, A>G on the plus strand (T>C on the coding strand, the complement: KMT2D is on the minus strand). VCF-style: chr12-49030624-A-G. GRCh37 (hg19) VCF-style: chr12-49424407-A-G.
Other names: short protein forms Y4606H.
Identifiers: ClinVar variation 3006335 (VCV003006335.3), dbSNP rs2120405972, ClinGen allele CA384701725.

ClinVar aggregate classification (germline): Uncertain significance (1 of 4 stars; one submission).

Conditions:
Kabuki syndrome. Also called: Kabuki make-up syndrome; NIIKAWA-KUROKI SYNDROME. Identifiers: Orphanet 2322, MedGen C0796004, MONDO:0016512.

gnomAD v4.1: 1 of 1,593,160 alleles (0.000063%); no homozygotes.

Submission:

Labcorp Genetics (formerly Invitae), Labcorp
Classification: Uncertain significance for Kabuki syndrome. Last evaluated: 2023-10-11. Review status: criteria provided, single submitter. Criteria: Invitae Variant Classification Sherloc (09022015). Collection method: clinical testing. Allele origin: germline.
Comment: This sequence change replaces tyrosine, which is neutral and polar, with histidine, which is basic and polar, at codon 4606 of the KMT2D protein (p.Tyr4606His). This variant is not present in population databases (gnomAD no frequency). This variant has not been reported in the literature in individuals affected with KMT2D-related conditions. This missense change has been observed in at least one individual who was not affected with KMT2D-related conditions (Invitae). Advanced modeling of protein sequence and biophysical properties (such as structural, functional, and spatial information, amino acid conservation, physicochemical variation, residue mobility, and thermodynamic stability) has been performed at Invitae for this missense variant, however the output from this modeling did not meet the statistical confidence thresholds required to predict the impact of this variant on KMT2D protein function. In summary, the available evidence is currently insufficient to determine the role of this variant in disease. Therefore, it has been classified as a Variant of Uncertain Significance.